The following is an entry in ClinVar:

ClinVar aggregate classification (germline): Uncertain significance. Review status: criteria provided, multiple submitters, no conflicts (2 of 4 stars). 3 submissions from 3 submitters: Uncertain significance (3). Last evaluated 2025-07-14.

Conditions:
Inborn genetic diseases. Identifiers: MedGen C0950123, MeSH D030342.
Episodic ataxia type 2 (EA2). Also called: ATAXIA, EPISODIC, WITH NYSTAGMUS; ATAXIA, FAMILIAL PAROXYSMAL; CEREBELLAR ATAXIA, PAROXYSMAL, ACETAZOLAMIDE-RESPONSIVE; CEREBELLOPATHY, HEREDITARY PAROXYSMAL; EPISODIC ATAXIA, NYSTAGMUS-ASSOCIATED; ACETAZOLAMIDE-RESPONSIVE HEREDITARY PAROXYSMAL CEREBELLAR ATAXIA. Identifiers: Orphanet 97, MedGen C1720416, MONDO:0007163, OMIM 108500.
Developmental and epileptic encephalopathy, 42 (DEE42A). Also called: Epileptic encephalopathy, early infantile, 42; DEVELOPMENTAL AND EPILEPTIC ENCEPHALOPATHY 42A; EPILEPTIC ENCEPHALOPATHY, EARLY INFANTILE, 42A. Identifiers: MedGen C4310716, MONDO:0014917, OMIM 617106.

Allele frequency attached by ClinVar (database versions not stated): ExAC below 0.00001; TOPMed below 0.00001.
gnomAD v4.1: 10 of 1,503,498 alleles (0.00067%); highest among the groups gnomAD compares: Non-Finnish European, 0.00088%; no homozygotes.

Submissions (3):

Labcorp Genetics (formerly Invitae), Labcorp
Classification: Uncertain significance for Developmental and epileptic encephalopathy, 42; Episodic ataxia type 2. Last evaluated: 2025-07-14. Review status: criteria provided, single submitter. Criteria: Invitae Variant Classification Sherloc (09022015). Collection method: clinical testing. Allele origin: germline.
Comment: This sequence change replaces glutamic acid, which is acidic and polar, with lysine, which is basic and polar, at codon 967 of the CACNA1A protein (p.Glu967Lys). This variant is not present in population databases (gnomAD no frequency). This variant has not been reported in the literature in individuals affected with CACNA1A-related conditions. ClinVar contains an entry for this variant (Variation ID: 423342). Invitae Evidence Modeling of protein sequence and biophysical properties (such as structural, functional, and spatial information, amino acid conservation, physicochemical variation, residue mobility, and thermodynamic stability) indicates that this missense variant is not expected to disrupt CACNA1A protein function with a negative predictive value of 95%. In summary, the available evidence is currently insufficient to determine the role of this variant in disease. Therefore, it has been classified as a Variant of Uncertain Significance.

Ambry Genetics
Classification: Uncertain significance for Inborn genetic diseases. Last evaluated: 2025-05-28. Review status: criteria provided, single submitter. Criteria: Ambry Variant Classification Scheme 2023. Collection method: clinical testing. Allele origin: germline.

GeneDx
Classification: Uncertain significance. Last evaluated: 2017-02-13. Review status: criteria provided, single submitter. Criteria: GeneDx Variant Classification (06012015). Collection method: clinical testing. Allele origin: germline. Affected: yes.
Comment: A variant of uncertain significance has been identified in the CACNA1A gene. The E967K variant has not been published as a pathogenic variant, nor has it been reported as a benign variant to our knowledge. The E967K variant is not observed in large population cohorts; however, limited data are available (Lek et al., 2016; 1000 Genomes Consortium et al., 2015; Exome Variant Server). The E967K variant is a non-conservative amino acid substitution, which is likely to impact secondary protein structure as these residues differ in polarity, charge, size and/or other properties. However, this substitution occurs at a position that is not conserved. In silico analysis is inconsistent in its predictions as to whether or not the variant is damaging to the protein structure/function. Therefore, based on the currently available information, it is unclear whether this variant is a pathogenic variant or a rare benign variant.

NM_001127222.2(CACNA1A):c.2896G>A (p.Glu966Lys)

Gene: CACNA1A (calcium voltage-gated channel subunit alpha1 A; minus strand). Cytogenetic location: 19p13.13.
Variant type: single nucleotide variant.
Coding change: c.2896G>A on transcript NM_001127222.2 (MANE Select); coding-DNA position 2896, G replaced by A.
Protein change: p.Glu966Lys; replaces glutamic acid 966 with lysine.
Molecular consequence: missense variant.
Genome position (GRCh38, 1-based): chr19:13,298,737, C>T on the plus strand (G>A on the coding strand, the complement: CACNA1A is on the minus strand). VCF-style: chr19-13298737-C-T. GRCh37 (hg19) VCF-style: chr19-13409551-C-T.
Other names: c.2908G>A, p.Glu970Lys (NM_000068.4, NM_023035.3); c.2899G>A, p.Glu967Lys (NM_001127221.2, NM_001174080.2); short protein forms E967K, E966K, E970K.
Identifiers: ClinVar variation 423342 (VCV000423342.13), dbSNP rs747456771, ClinGen allele CA9240452.